The following is an entry in ClinVar:

NM_000531.6(OTC):c.803T>A (p.Met268Lys)

Gene: OTC (ornithine transcarbamylase; plus strand). Cytogenetic location: Xp11.4.
Variant type: single nucleotide variant.
Coding change: c.803T>A on transcript NM_000531.6 (MANE Select); coding-DNA position 803, T replaced by A.
Protein change: p.Met268Lys; replaces methionine 268 with lysine.
Molecular consequence: missense variant.
Genome position (GRCh38, 1-based): chrX:38,408,961, T>A. VCF-style: chrX-38408961-T-A. GRCh37 (hg19) VCF-style: chrX-38268214-T-A.
Other names: c.803T>A, p.Met268Lys (NM_001407092.1); short protein forms M268K.
Identifiers: ClinVar variation 2029961 (VCV002029961.4), dbSNP rs72558449, ClinGen allele CA412723112.

ClinVar aggregate classification (germline): Likely pathogenic (1 of 4 stars; one submission).

Conditions:
Ornithine carbamoyltransferase deficiency (OTCD). Also called: OTC DEFICIENCY; Ornithine Carbamoyltransferase Deficiency Disease; ORNITHINE TRANSCARBAMYLASE DEFICIENCY; ORNITHINE TRANSCARBAMYLASE DEFICIENCY, HYPERAMMONEMIA DUE TO. Identifiers: Orphanet 664, MedGen C0268542, MONDO:0010703, OMIM 311250.

Submission:

Labcorp Genetics (formerly Invitae), Labcorp
Classification: Likely pathogenic for Ornithine carbamoyltransferase deficiency. Last evaluated: 2022-11-08. Review status: criteria provided, single submitter. Criteria: Invitae Variant Classification Sherloc (09022015). Collection method: clinical testing. Allele origin: germline.
Comment: This sequence change replaces methionine, which is neutral and non-polar, with lysine, which is basic and polar, at codon 268 of the OTC protein (p.Met268Lys). In summary, the currently available evidence indicates that the variant is pathogenic, but additional data are needed to prove that conclusively. Therefore, this variant has been classified as Likely Pathogenic. This variant disrupts the p.Met268 amino acid residue in OTC. Other variant(s) that disrupt this residue have been determined to be pathogenic (PMID: 8365726, 9286441, 12083811). This suggests that this residue is clinically significant, and that variants that disrupt this residue are likely to be disease-causing. Advanced modeling of protein sequence and biophysical properties (such as structural, functional, and spatial information, amino acid conservation, physicochemical variation, residue mobility, and thermodynamic stability) performed at Invitae indicates that this missense variant is expected to disrupt OTC protein function. This missense change has been observed in individual(s) with clinical features of ornithine transcarbamylase deficiency (Inivitae). This variant is not present in population databases (gnomAD no frequency).

Literature cited by the submitters: PubMed 8365726; PubMed 9286441; PubMed 12083811.